The following is an entry in ClinVar:

NM_145290.4(ADGRA3):c.2222C>G (p.Ala741Gly)

Gene: ADGRA3 (adhesion G protein-coupled receptor A3; minus strand). Cytogenetic location: 4p15.2.
Variant type: single nucleotide variant.
Coding change: c.2222C>G on transcript NM_145290.4 (MANE Select); coding-DNA position 2222, C replaced by G.
Protein change: p.Ala741Gly; replaces alanine 741 with glycine.
Molecular consequence: missense variant.
Genome position (GRCh38, 1-based): chr4:22,413,192, G>C on the plus strand (C>G on the coding strand, the complement: ADGRA3 is on the minus strand). VCF-style: chr4-22413192-G-C. GRCh37 (hg19) VCF-style: chr4-22414815-G-C.
Other names: short protein forms A741G.
Identifiers: ClinVar variation 1009437 (VCV001009437.8), dbSNP rs776810635, ClinGen allele CA2873713.
Genomic context (GRCh38, chr4:22,413,192, plus strand): 5'-TAGCAAAAATGTAGAATAGTGTTTATGCATAAAGTTAACAACTGCCATACCATTAAAACT[G>C]CATAGTTACTAAGGGAGTAGCACTGAATCGTAGTGATATTTTCATCTGAATAGAGTATAT-3'
Protein context (NP_660333.2, residues 731-751): TIQCYSLSNY[Ala741Gly]VLMDLTGSEL

ClinVar aggregate classification (germline): Uncertain significance (1 of 4 stars; one submission).

Allele frequency attached by ClinVar (database versions not stated): ExAC 0.00003; gnomAD 0.00005; TOPMed 0.00005; gnomAD exomes 0.00006 and 0.00008.
gnomAD v4.1: 123 of 1,611,032 alleles (0.0076%); highest among the groups gnomAD compares: Non-Finnish European, 0.01%; no homozygotes.

Submission:

Labcorp Genetics (formerly Invitae), Labcorp
Classification: Uncertain significance. Last evaluated: 2026-01-25. Review status: criteria provided, single submitter. Criteria: Invitae Variant Classification Sherloc (09022015). Collection method: clinical testing. Allele origin: germline.
Comment: This sequence change replaces alanine, which is neutral and non-polar, with glycine, which is neutral and non-polar, at codon 741 of the ADGRA3 protein (p.Ala741Gly). This variant is present in population databases (rs776810635, gnomAD 0.01%). This variant has not been reported in the literature in individuals affected with ADGRA3-related conditions. ClinVar contains an entry for this variant (Variation ID: 1009437). An algorithm developed to predict the effect of missense changes on protein structure and function (PolyPhen-2) suggests that this variant is likely to be tolerated. In summary, the available evidence is currently insufficient to determine the role of this variant in disease. Therefore, it has been classified as a Variant of Uncertain Significance.